The following is an entry in ClinVar:

NM_000203.5(IDUA):c.1077del (p.Phe360fs)

Gene: IDUA (alpha-L-iduronidase; plus strand). Cytogenetic location: 4p16.3.
Variant type: Deletion.
Coding change: c.1077del on transcript NM_000203.5 (MANE Select); coding-DNA position 1077, one base deleted (C; older notation c.1077delC).
Protein change: p.Phe360fs; shifts the reading frame from phenylalanine 360.
Molecular consequence: frameshift variant. On other transcripts: non-coding transcript variant (1).
Genome position (GRCh38, 1-based): chr4:1,002,373, C deleted; the last of 4 consecutive C bases (chr4:1,002,370-1,002,373); deleting any one gives the same sequence. VCF-style (leftmost placement, unchanged base first): chr4-1002369-AC-A. GRCh37 (hg19) VCF-style: chr4-996157-AC-A.
Other names: c.681del, p.Phe228fs (NM_001363576.1); short protein forms F228fs, F360fs.
Identifiers: ClinVar variation 1453680 (VCV001453680.6), dbSNP rs2153022377, ClinGen allele CA2573137571.

ClinVar aggregate classification (germline): Pathogenic (1 of 4 stars; one submission).

Conditions:
Mucopolysaccharidosis type 1. Also called: Mucopolysaccharidosis Type I; IDUA deficiency; MPS I. Identifiers: Orphanet 579, MedGen C0023786, MONDO:0001586.

Submission:

Labcorp Genetics (formerly Invitae), Labcorp
Classification: Pathogenic for Mucopolysaccharidosis type 1. Last evaluated: 2023-08-14. Review status: criteria provided, single submitter. Criteria: Invitae Variant Classification Sherloc (09022015). Collection method: clinical testing. Allele origin: germline.
Comment: ClinVar contains an entry for this variant (Variation ID: 1453680). For these reasons, this variant has been classified as Pathogenic. This sequence change creates a premature translational stop signal (p.Phe360Serfs*80) in the IDUA gene. It is expected to result in an absent or disrupted protein product. Loss-of-function variants in IDUA are known to be pathogenic (PMID: 11735025, 21480867). This variant is not present in population databases (gnomAD no frequency). This variant has not been reported in the literature in individuals affected with IDUA-related conditions.

Literature cited by the submitters: PubMed 11735025; PubMed 21480867.